The following is an entry in ClinVar:

NM_003630.3(PEX3):c.331+1G>C

Gene: PEX3 (peroxisomal biogenesis factor 3; plus strand). Cytogenetic location: 6q24.2.
Variant type: single nucleotide variant.
Coding change: c.331+1G>C on transcript NM_003630.3 (MANE Select); the canonical splice donor site of the intron after coding-DNA position 331, G replaced by C.
Molecular consequence: splice donor variant.
Genome position (GRCh38, 1-based): chr6:143,468,166, G>C. VCF-style: chr6-143468166-G-C. GRCh37 (hg19) VCF-style: chr6-143789303-G-C.
Identifiers: ClinVar variation 2504000 (VCV002504000.1), dbSNP rs2537193194, ClinGen allele CA365909203.
Genomic context (GRCh38, chr6:143,468,166, plus strand): 5'-AAATTTTGTTCTTTAGGCCTTCAAACAAGCTAGAAATATGGGAGGATCTGAAGATAATAA[G>C]TAAGCCTGCATATTCTGTGTGACAGCACATCCTTAAAATATTTATAAAGGGAAATGTTTG-3'

ClinVar aggregate classification (germline): Likely pathogenic (1 of 4 stars; one submission).

Conditions:
Peroxisome biogenesis disorder. Identifiers: Orphanet 79189, MedGen C1832200, MONDO:0019234. Disease mechanism: loss of function.

Submission:

Women's Health and Genetics/Laboratory Corporation of America, LabCorp
Classification: Likely pathogenic for Peroxisome biogenesis disorder. Last evaluated: 2023-04-14. Review status: criteria provided, single submitter. Criteria: LabCorp Variant Classification Summary - May 2015. Collection method: clinical testing. Allele origin: germline.
Comment: Variant summary: PEX3 c.331+1G>C is located in a canonical splice-site and is predicted to affect mRNA splicing resulting in a significantly altered protein due to either exon skipping, shortening, or inclusion of intronic material. Several computational tools predict a significant impact on normal splicing: Three predict the variant abolishes a canonical 5' splicing donor site. However, these predictions have yet to be confirmed by functional studies. The variant was absent in 250358 control chromosomes (gnomAD). To our knowledge, no occurrence of c.331+1G>C in individuals affected with Zellweger Syndrome and no experimental evidence demonstrating its impact on protein function have been reported. No clinical diagnostic laboratories have submitted clinical-significance assessments for this variant to ClinVar after 2014. Based on the evidence outlined above, the variant was classified as likely pathogenic.